The following is an entry in ClinVar:

ClinVar aggregate classification (germline): Uncertain significance. Review status: criteria provided, multiple submitters, no conflicts (2 of 4 stars). 2 submissions from 2 submitters: Uncertain significance (2). Last evaluated 2025-08-06.

Allele frequency attached by ClinVar (database versions not stated): ExAC 0.00005; gnomAD 0.00005; TOPMed 0.00010; gnomAD exomes 0.00011; ESP Exome Variant Server 0.00016.
gnomAD v4.1: 180 of 1,609,746 alleles (0.011%); highest among the groups gnomAD compares: Admixed American, 0.03%; no homozygotes.

Submissions (2):

Labcorp Genetics (formerly Invitae), Labcorp
Classification: Uncertain significance. Last evaluated: 2025-08-06. Review status: criteria provided, single submitter. Criteria: Invitae Variant Classification Sherloc (09022015). Collection method: clinical testing. Allele origin: germline.
Comment: This sequence change replaces alanine, which is neutral and non-polar, with valine, which is neutral and non-polar, at codon 914 of the MYH7B protein (p.Ala914Val). This variant is present in population databases (rs369138767, gnomAD 0.04%). This variant has not been reported in the literature in individuals affected with MYH7B-related conditions. ClinVar contains an entry for this variant (Variation ID: 1360293). Invitae Evidence Modeling of protein sequence and biophysical properties (such as structural, functional, and spatial information, amino acid conservation, physicochemical variation, residue mobility, and thermodynamic stability) indicates that this missense variant is not expected to disrupt MYH7B protein function with a negative predictive value of 80%. In summary, the available evidence is currently insufficient to determine the role of this variant in disease. Therefore, it has been classified as a Variant of Uncertain Significance.

Ambry Genetics
Classification: Uncertain significance. Last evaluated: 2025-01-09. Review status: criteria provided, single submitter. Criteria: Ambry Variant Classification Scheme 2023. Collection method: clinical testing. Allele origin: germline.

NM_020884.7(MYH7B):c.2615C>T (p.Ala872Val)

Gene: MYH7B (myosin heavy chain 7B; plus strand). Cytogenetic location: 20q11.22.
Variant type: single nucleotide variant.
Coding change: c.2615C>T on transcript NM_020884.7 (MANE Select); coding-DNA position 2615, C replaced by T.
Protein change: p.Ala872Val; replaces alanine 872 with valine.
Molecular consequence: missense variant.
Genome position (GRCh38, 1-based): chr20:34,994,316, C>T. VCF-style: chr20-34994316-C-T. GRCh37 (hg19) VCF-style: chr20-33582119-C-T.
Other names: c.2741C>T (NM_020884.3); short protein forms A872V.
Identifiers: ClinVar variation 1360293 (VCV001360293.10), dbSNP rs369138767, ClinGen allele CA9827434.